The following is an entry in ClinVar:

NM_020312.4(COQ9):c.776T>C (p.Met259Thr)

Gene: COQ9 (coenzyme Q9; plus strand). Cytogenetic location: 16q21.
Variant type: single nucleotide variant.
Coding change: c.776T>C on transcript NM_020312.4 (MANE Select); coding-DNA position 776, T replaced by C.
Protein change: p.Met259Thr; replaces methionine 259 with threonine.
Molecular consequence: missense variant.
Genome position (GRCh38, 1-based): chr16:57,459,629, T>C. VCF-style: chr16-57459629-T-C. GRCh37 (hg19) VCF-style: chr16-57493541-T-C.
Other names: short protein forms M259T.
Identifiers: ClinVar variation 4755913 (VCV004755913.1).

ClinVar aggregate classification (germline): Uncertain significance (1 of 4 stars; one submission).

gnomAD v4.1: 1 of 1,614,136 alleles (0.000062%); highest among the groups gnomAD compares: Non-Finnish European, 0.000085%; no homozygotes.

Submission:

GeneDx
Classification: Uncertain significance. Last evaluated: 2025-08-04. Review status: criteria provided, single submitter. Criteria: GeneDx Variant Classification Process June 2021. Collection method: clinical testing. Allele origin: germline. Affected: yes.
Comment: Not observed at significant frequency in large population cohorts (gnomAD); In silico analysis supports that this missense variant has a deleterious effect on protein structure/function; Has not been previously published as pathogenic or benign to our knowledge